The following is an entry in ClinVar:

NM_203447.4(DOCK8):c.5467C>T (p.Pro1823Ser)

Gene: DOCK8 (dedicator of cytokinesis 8; plus strand). Cytogenetic location: 9p24.3.
Variant type: single nucleotide variant.
Coding change: c.5467C>T on transcript NM_203447.4 (MANE Select); coding-DNA position 5467, C replaced by T.
Protein change: p.Pro1823Ser; replaces proline 1823 with serine.
Molecular consequence: missense variant.
Genome position (GRCh38, 1-based): chr9:441,986, C>T. VCF-style: chr9-441986-C-T. GRCh37 (hg19) VCF-style: chr9-441986-C-T.
Other names: c.5167C>T, p.Pro1723Ser (NM_001190458.2); c.5263C>T, p.Pro1755Ser (NM_001193536.2); short protein forms P1823S, P1723S, P1755S.
Identifiers: ClinVar variation 367026 (VCV000367026.8), dbSNP rs766493394, ClinGen allele CA4959422.

ClinVar aggregate classification (germline): Uncertain significance. Review status: criteria provided, multiple submitters, no conflicts (2 of 4 stars). 2 submissions from 2 submitters: Uncertain significance (2). Last evaluated 2025-08-20.

Conditions:
Combined immunodeficiency due to DOCK8 deficiency (HIES2). Also called: HIES autosomal recessive; Hyper-IgE recurrent infection syndrome, autosomal recessive; HYPER-IgE RECURRENT INFECTION SYNDROME 2, AUTOSOMAL RECESSIVE; HYPER-IgE SYNDROME 2, AUTOSOMAL RECESSIVE, WITH RECURRENT INFECTIONS; DOCK8 Deficiency. Identifiers: Orphanet 217390, MedGen C4722305, MONDO:0009478, OMIM 243700.
Inborn genetic diseases. Identifiers: MedGen C0950123, MeSH D030342.

Allele frequency attached by ClinVar (database versions not stated): TOPMed below 0.00001; ExAC 0.00001; gnomAD exomes 0.00001.
gnomAD v4.1: 5 of 1,613,990 alleles (0.00031%); highest among the groups gnomAD compares: Non-Finnish European, 0.00034%; no homozygotes.

Submissions (2):

Labcorp Genetics (formerly Invitae), Labcorp
Classification: Uncertain significance for Combined immunodeficiency due to DOCK8 deficiency. Last evaluated: 2025-08-20. Review status: criteria provided, single submitter. Criteria: Invitae Variant Classification Sherloc (09022015). Collection method: clinical testing. Allele origin: germline.
Comment: This sequence change replaces proline, which is neutral and non-polar, with serine, which is neutral and polar, at codon 1823 of the DOCK8 protein (p.Pro1823Ser). This variant is present in population databases (rs766493394, gnomAD 0.0009%). This variant has not been reported in the literature in individuals affected with DOCK8-related conditions. ClinVar contains an entry for this variant (Variation ID: 367026). Invitae Evidence Modeling of protein sequence and biophysical properties (such as structural, functional, and spatial information, amino acid conservation, physicochemical variation, residue mobility, and thermodynamic stability) indicates that this missense variant is not expected to disrupt DOCK8 protein function with a negative predictive value of 80%. In summary, the available evidence is currently insufficient to determine the role of this variant in disease. Therefore, it has been classified as a Variant of Uncertain Significance.

Ambry Genetics
Classification: Uncertain significance for Inborn genetic diseases. Last evaluated: 2025-01-18. Review status: criteria provided, single submitter. Criteria: Ambry Variant Classification Scheme 2023. Collection method: clinical testing. Allele origin: germline.